The following is an entry in ClinVar:

NM_024301.5(FKRP):c.651G>A (p.Pro217=)

Gene: FKRP (fukutin related protein; plus strand). Cytogenetic location: 19q13.32.
Variant type: single nucleotide variant.
Coding change: c.651G>A on transcript NM_024301.5 (MANE Select); coding-DNA position 651, G replaced by A.
Protein change: p.Pro217=; no amino-acid change (proline 217 retained).
Molecular consequence: synonymous variant.
Genome position (GRCh38, 1-based): chr19:46,756,101, G>A. VCF-style: chr19-46756101-G-A. GRCh37 (hg19) VCF-style: chr19-47259358-G-A.
Other names: c.651G>A, p.Pro217= (NM_001039885.3).
Identifiers: ClinVar variation 385715 (VCV000385715.5), dbSNP rs1057522308, ClinGen allele CA16608199.

ClinVar aggregate classification (germline): Likely benign. Review status: criteria provided, multiple submitters, no conflicts (2 of 4 stars). 3 submissions from 3 submitters: Likely benign (3). Last evaluated 2023-07-20.

Conditions:
Walker-Warburg congenital muscular dystrophy. Also called: Muscular dystrophy-dystroglycanopathy, type A; Walker-Warburg syndrome. Identifiers: Orphanet 899, MedGen C0265221, MONDO:0000171.

Allele frequency attached by ClinVar (database versions not stated): TOPMed 0.00001.
gnomAD v4.1: 6 of 1,533,596 alleles (0.00039%); highest among the groups gnomAD compares: South Asian, 0.0024%; no homozygotes.

Submissions (3):

Labcorp Genetics (formerly Invitae), Labcorp
Classification: Likely benign for Walker-Warburg congenital muscular dystrophy. Last evaluated: 2023-07-20. Review status: criteria provided, single submitter. Criteria: Invitae Variant Classification Sherloc (09022015). Collection method: clinical testing. Allele origin: germline.

Blueprint Genetics
Classification: Likely benign. Last evaluated: 2021-06-03. Review status: criteria provided, single submitter. Criteria: ACMG Guidelines, 2015. Collection method: clinical testing. Allele origin: germline.

GeneDx
Classification: Likely benign. Last evaluated: 2016-05-12. Review status: criteria provided, single submitter. Criteria: GeneDx Variant Classification (06012015). Collection method: clinical testing. Allele origin: germline. Affected: yes.
Comment: This variant is considered likely benign or benign based on one or more of the following criteria: it is a conservative change, it occurs at a poorly conserved position in the protein, it is predicted to be benign by multiple in silico algorithms, and/or has population frequency not consistent with disease.